The following is an entry in ClinVar:

NM_177438.3(DICER1):c.2561T>A (p.Phe854Tyr)

Gene: DICER1 (dicer 1, ribonuclease III; minus strand). Cytogenetic location: 14q32.13.
Variant type: single nucleotide variant.
Coding change: c.2561T>A on transcript NM_177438.3 (MANE Select); coding-DNA position 2561, T replaced by A.
Protein change: p.Phe854Tyr; replaces phenylalanine 854 with tyrosine.
Molecular consequence: missense variant.
Genome position (GRCh38, 1-based): chr14:95,107,969, A>T on the plus strand (T>A on the coding strand, the complement: DICER1 is on the minus strand). VCF-style: chr14-95107969-A-T. GRCh37 (hg19) VCF-style: chr14-95574306-A-T.
Other names: c.2561T>A, p.Phe854Tyr (NM_001195573.1, NM_001271282.3, NM_001291628.2 and 1 more transcripts); short protein forms F854Y.
Identifiers: ClinVar variation 1352036 (VCV001352036.11), dbSNP rs2140024565, ClinGen allele CA390881690.

ClinVar aggregate classification (germline): Uncertain significance. Review status: criteria provided, multiple submitters, no conflicts (2 of 4 stars). 2 submissions from 2 submitters: Uncertain significance (2). Last evaluated 2024-05-14.

Conditions:
DICER1-related tumor predisposition. Also called: DICER1 syndrome; DICER1-related pleuropulmonary blastoma cancer predisposition syndrome. Identifiers: Orphanet 284343, MedGen C3839822, MONDO:0100216.
Hereditary cancer-predisposing syndrome. Also called: Hereditary Cancer Syndrome; Neoplastic Syndromes, Hereditary; Tumor predisposition; Hereditary neoplastic syndrome. Identifiers: Orphanet 140162, MedGen C0027672, MeSH D009386, MONDO:0015356.

Submissions (2):

Labcorp Genetics (formerly Invitae), Labcorp
Classification: Uncertain significance for DICER1-related tumor predisposition. Last evaluated: 2024-05-14. Review status: criteria provided, single submitter. Criteria: Invitae Variant Classification Sherloc (09022015). Collection method: clinical testing. Allele origin: germline.
Comment: This sequence change replaces phenylalanine, which is neutral and non-polar, with tyrosine, which is neutral and polar, at codon 854 of the DICER1 protein (p.Phe854Tyr). This variant is not present in population databases (gnomAD no frequency). This variant has not been reported in the literature in individuals affected with DICER1-related conditions. ClinVar contains an entry for this variant (Variation ID: 1352036). Advanced modeling of protein sequence and biophysical properties (such as structural, functional, and spatial information, amino acid conservation, physicochemical variation, residue mobility, and thermodynamic stability) performed at Invitae indicates that this missense variant is expected to disrupt DICER1 protein function with a positive predictive value of 80%. In summary, the available evidence is currently insufficient to determine the role of this variant in disease. Therefore, it has been classified as a Variant of Uncertain Significance.

Ambry Genetics
Classification: Uncertain significance for Hereditary cancer-predisposing syndrome. Last evaluated: 2022-08-17. Review status: criteria provided, single submitter. Criteria: Ambry Variant Classification Scheme 2023. Collection method: clinical testing. Allele origin: germline.
Comment: The p.F854Y variant (also known as c.2561T>A), located in coding exon 15 of the DICER1 gene, results from a T to A substitution at nucleotide position 2561. The phenylalanine at codon 854 is replaced by tyrosine, an amino acid with highly similar properties. This amino acid position is conserved. In addition, this alteration is predicted to be deleterious by in silico analysis. Since supporting evidence is limited at this time, the clinical significance of this alteration remains unclear.